The following is an entry in ClinVar:

ClinVar aggregate classification (germline): Uncertain significance (1 of 4 stars; one submission).

Conditions:
Cardiac malformation, cleft lip/palate, microcephaly, and digital anomalies. Also called: CLEFT PALATE, CARDIAC DEFECTS, AND IMPAIRED INTELLECTUAL DEVELOPMENT. Identifiers: MedGen C1832950, MONDO:0010970, OMIM 600987.

Allele frequency attached by ClinVar (database versions not stated): gnomAD exomes 0.00001; ExAC 0.00005; ESP Exome Variant Server 0.00008; TOPMed 0.00009; 1000 Genomes Project 30x 0.00031.
gnomAD v4.1: 13 of 1,600,210 alleles (0.00081%); highest among the groups gnomAD compares: African/African-American, 0.013%; no homozygotes.

Submission:

Labcorp Genetics (formerly Invitae), Labcorp
Classification: Uncertain significance for Cardiac malformation, cleft lip/palate, microcephaly, and digital anomalies. Last evaluated: 2023-11-15. Review status: criteria provided, single submitter. Criteria: Invitae Variant Classification Sherloc (09022015). Collection method: clinical testing. Allele origin: germline.
Comment: This sequence change falls in intron 3 of the MEIS2 gene. It does not directly change the encoded amino acid sequence of the MEIS2 protein. It affects a nucleotide within the consensus splice site. This variant is present in population databases (rs375137883, gnomAD 0.02%). This variant has not been reported in the literature in individuals affected with MEIS2-related conditions. ClinVar contains an entry for this variant (Variation ID: 1005146). Variants that disrupt the consensus splice site are a relatively common cause of aberrant splicing (PMID: 17576681, 9536098). Algorithms developed to predict the effect of sequence changes on RNA splicing suggest that this variant is not likely to affect RNA splicing. In summary, the available evidence is currently insufficient to determine the role of this variant in disease. Therefore, it has been classified as a Variant of Uncertain Significance.

Literature cited by the submitters: PubMed 17576681; PubMed 9536098.

NM_170675.5(MEIS2):c.387+6G>C

Gene: MEIS2 (Meis homeobox 2; minus strand). Cytogenetic location: 15q14.
Variant type: single nucleotide variant.
Coding change: c.387+6G>C on transcript NM_170675.5 (MANE Select); 6 bases into the intron after coding-DNA position 387, G replaced by C.
Molecular consequence: intron variant.
Genome position (GRCh38, 1-based): chr15:37,096,283, C>G on the plus strand (G>C on the coding strand, the complement: MEIS2 is on the minus strand). VCF-style: chr15-37096283-C-G. GRCh37 (hg19) VCF-style: chr15-37388484-C-G.
Other names: c.348+6G>C (NM_002399.4, NM_172315.3); c.387+6G>C (NM_001220482.2, NM_170676.5, NM_170674.5 and 1 more transcripts); c.123+6G>C (NM_172316.3).
Identifiers: ClinVar variation 1005146 (VCV001005146.7), dbSNP rs375137883, ClinGen allele CA7469415.